The following is an entry in ClinVar:

ClinVar aggregate classification (germline): Likely benign (1 of 4 stars; one submission).

Allele frequency attached by ClinVar (database versions not stated): gnomAD 0.00362 and 0.00380; TOPMed 0.00379; 1000 Genomes Project 0.00599; 1000 Genomes Project 30x 0.00656.
gnomAD v4.1: 543 of 152,192 alleles (0.36%); highest among the groups gnomAD compares: African/African-American, 1.2%; 4 homozygotes.

Submission:

GeneDx
Classification: Likely benign. Last evaluated: 2018-06-16. Review status: criteria provided, single submitter. Criteria: GeneDx Variant Classification (06012015). Collection method: clinical testing. Allele origin: germline. Affected: yes.
Comment: This variant is considered likely benign or benign based on one or more of the following criteria: it is a conservative change, it occurs at a poorly conserved position in the protein, it is predicted to be benign by multiple in silico algorithms, and/or has population frequency not consistent with disease.

NM_001005373.4(LRSAM1):c.1044-313G>A

Gene: LRSAM1 (leucine rich repeat and sterile alpha motif containing 1; plus strand). Cytogenetic location: 9q33.3.
Variant type: single nucleotide variant.
Coding change: c.1044-313G>A on transcript NM_001005373.4 (MANE Select); 313 bases into the intron before coding-DNA position 1044, G replaced by A.
Molecular consequence: intron variant.
Genome position (GRCh38, 1-based): chr9:127,480,870, G>A. VCF-style: chr9-127480870-G-A. GRCh37 (hg19) VCF-style: chr9-130243149-G-A.
Other names: c.1044-313G>A (NM_138361.5, NM_001384142.1, NM_001384143.1 and 2 more transcripts); c.255-313G>A (NM_001384144.1).
Identifiers: ClinVar variation 673459 (VCV000673459.1), dbSNP rs183022187, ClinGen allele CA199848873.
Genomic context (GRCh38, chr9:127,480,870, plus strand): 5'-CCCAAGGAGCTGGGACTACAGGCTTGGGCCACCACGCCTGGCTAATTTTTGTAGAGATAA[G>A]GTTTCTCCATGTTGACCAGGCTGGTCTCGAACTCCTGACCTCAAGTGATCTATCCACTTC-3'